The following is an entry in ClinVar:

ClinVar aggregate classification (germline): Uncertain significance (1 of 4 stars; one submission).

Allele frequency attached by ClinVar (database versions not stated): gnomAD exomes below 0.00001 and 0.00001; ExAC 0.00001.

Submission:

Labcorp Genetics (formerly Invitae), Labcorp
Classification: Uncertain significance. Last evaluated: 2023-08-04. Review status: criteria provided, single submitter. Criteria: Invitae Variant Classification Sherloc (09022015). Collection method: clinical testing. Allele origin: germline.
Comment: In summary, the available evidence is currently insufficient to determine the role of this variant in disease. Therefore, it has been classified as a Variant of Uncertain Significance. Advanced modeling of protein sequence and biophysical properties (such as structural, functional, and spatial information, amino acid conservation, physicochemical variation, residue mobility, and thermodynamic stability) has been performed at Invitae for this missense variant, however the output from this modeling did not meet the statistical confidence thresholds required to predict the impact of this variant on CNNM4 protein function. ClinVar contains an entry for this variant (Variation ID: 1364448). This variant has not been reported in the literature in individuals affected with CNNM4-related conditions. This variant is present in population databases (rs747407815, gnomAD 0.0009%). This sequence change replaces serine, which is neutral and polar, with phenylalanine, which is neutral and non-polar, at codon 723 of the CNNM4 protein (p.Ser723Phe).

NM_020184.4(CNNM4):c.2168C>T (p.Ser723Phe)

Gene: CNNM4 (cyclin and CBS domain divalent metal cation transport mediator 4; plus strand). Cytogenetic location: 2q11.2.
Variant type: single nucleotide variant.
Coding change: c.2168C>T on transcript NM_020184.4 (MANE Select); coding-DNA position 2168, C replaced by T.
Protein change: p.Ser723Phe; replaces serine 723 with phenylalanine.
Molecular consequence: missense variant.
Genome position (GRCh38, 1-based): chr2:96,809,357, C>T. VCF-style: chr2-96809357-C-T. GRCh37 (hg19) VCF-style: chr2-97475094-C-T.
Other names: short protein forms S723F.
Identifiers: ClinVar variation 1364448 (VCV001364448.6), dbSNP rs747407815, ClinGen allele CA1783606.